The following is an entry in ClinVar:

NM_000122.2(ERCC3):c.1300G>T (p.Glu434Ter)

Gene: ERCC3 (ERCC excision repair 3, TFIIH core complex helicase subunit; minus strand). Cytogenetic location: 2q14.3.
Variant type: single nucleotide variant.
Coding change: c.1300G>T on transcript NM_000122.2 (MANE Select); coding-DNA position 1300, G replaced by T.
Protein change: p.Glu434Ter; replaces glutamic acid 434 with a stop codon.
Molecular consequence: nonsense.
Genome position (GRCh38, 1-based): chr2:127,286,745, C>A on the plus strand (G>T on the coding strand, the complement: ERCC3 is on the minus strand). VCF-style: chr2-127286745-C-A. GRCh37 (hg19) VCF-style: chr2-128044321-C-A.
Other names: c.1108G>T, p.Glu370Ter (NM_001303416.2, NM_001303418.2); short protein forms E370*, E434*.
Identifiers: ClinVar variation 1805744 (VCV001805744.5), dbSNP rs1434876636, ClinGen allele CA348389568.

ClinVar aggregate classification (germline): Pathogenic/Likely pathogenic. Review status: criteria provided, multiple submitters, no conflicts (2 of 4 stars). 4 submissions from 4 submitters: Pathogenic (3); Likely pathogenic (1). Last evaluated 2024-01-24.

Conditions:
Xeroderma pigmentosum group B. Also called: ERCC3-Related Xeroderma Pigmentosum; XP, GROUP B; XPB/CS; XERODERMA PIGMENTOSUM B/COCKAYNE SYNDROME. Identifiers: MedGen C0268136, MONDO:0012531, OMIM 610651.
Xeroderma pigmentosum (XP). Identifiers: Orphanet 910, MedGen C0043346, MONDO:0019600.
Trichothiodystrophy 2, photosensitive (TTD2). Identifiers: Orphanet 33364, MedGen C4225344, MONDO:0014615, OMIM 616390.

Allele frequency attached by ClinVar (database versions not stated): gnomAD 0.00001; TOPMed 0.00002; gnomAD exomes 0.00004.
gnomAD v4.1: 66 of 1,613,986 alleles (0.0041%); highest among the groups gnomAD compares: Non-Finnish European, 0.0054%; no homozygotes.

Submissions (4):

Fulgent Genetics
Classification: Likely pathogenic for Xeroderma pigmentosum group B; Trichothiodystrophy 2, photosensitive. Last evaluated: 2024-01-24. Review status: criteria provided, single submitter. Criteria: ACMG Guidelines, 2015. Collection method: clinical testing. Allele origin: germline.

Labcorp Genetics (formerly Invitae), Labcorp
Classification: Pathogenic. Last evaluated: 2023-10-17. Review status: criteria provided, single submitter. Criteria: Invitae Variant Classification Sherloc (09022015). Collection method: clinical testing. Allele origin: germline.
Comment: This sequence change creates a premature translational stop signal (p.Glu434*) in the ERCC3 gene. It is expected to result in an absent or disrupted protein product. Loss-of-function variants in ERCC3 are known to be pathogenic (PMID: 16947863). This variant is not present in population databases (gnomAD no frequency). This variant has not been reported in the literature in individuals affected with ERCC3-related conditions. ClinVar contains an entry for this variant (Variation ID: 1805744). For these reasons, this variant has been classified as Pathogenic.

Women's Health and Genetics/Laboratory Corporation of America, LabCorp
Classification: Pathogenic for Xeroderma pigmentosum. Last evaluated: 2023-06-23. Review status: criteria provided, single submitter. Criteria: LabCorp Variant Classification Summary - May 2015. Collection method: clinical testing. Allele origin: germline.
Comment: Variant summary: ERCC3 c.1300G>T (p.Glu434X) results in a premature termination codon, predicted to cause a truncation of the encoded protein or absence of the protein due to nonsense mediated decay, which are commonly known mechanisms for disease. The variant was absent in 251316 control chromosomes. To our knowledge, no occurrence of c.1300G>T in individuals affected with Xeroderma Pigmentosum and no experimental evidence demonstrating its impact on protein function have been reported. One submitter has cited clinical-significance assessments for this variant to ClinVar after 2014 and has classified the variant as pathogenic. Based on the evidence outlined above, the variant was classified as pathogenic.

Victorian Clinical Genetics Services, Murdoch Childrens Research Institute
Classification: Pathogenic for Xeroderma pigmentosum group B. Last evaluated: 2020-05-21. Review status: criteria provided, single submitter. Criteria: ACMG Guidelines, 2015. Collection method: clinical testing. Allele origin: germline. Inheritance: Autosomal recessive inheritance.
Comment: Based on the classification scheme VCGS_Germline_v1.1.1, this variant is classified as Pathogenic. Following criteria are met: 0102 - Loss-of-function is a known mechanism of disease for this gene. (N) 0106 - This gene is known to be associated with autosomal recessive disease. (N) 0201 - Variant is predicted to cause nonsense-mediated decay (NMD) and loss of protein (exon 8 of 15). (P) 0251 - Variant is heterozygous. (N) 0301 - Variant is absent from gnomAD. (P) 0402 - Variant is located in a gene associated with a severe early onset recessive condition that is intolerant to bi-allelic loss-of-function variants. (P) 0702 - Comparable variants have strong previous evidence for pathogenicity (ClinVar, Decipher). (P) 0807 - Variant has not previously been reported in a clinical context. (N) 0905 - No segregation evidence has been identified for this variant. (N) 1007 - No published functional evidence has been identified for this variant. (N) 1208 - Segregation information for this variant is not currently available. (N) Legend: (P) - Pathogenic, (N) - Neutral, (B) - Benign

Literature cited by the submitters: PubMed 16947863 (cited by Labcorp Genetics (formerly Invitae), Labcorp).